The following is an entry in ClinVar:

ClinVar aggregate classification (germline): Likely benign (1 of 4 stars; one submission).

Allele frequency attached by ClinVar (database versions not stated): ExAC 0.00003; gnomAD 0.00003; TOPMed 0.00004; gnomAD exomes 0.00006.
gnomAD v4.1: 84 of 1,603,562 alleles (0.0052%); highest among the groups gnomAD compares: South Asian, 0.01%; no homozygotes.

Submission:

CeGaT Center for Human Genetics Tuebingen
Classification: Likely benign. Last evaluated: 2023-10-01. Review status: criteria provided, single submitter. Criteria: CeGaT Center For Human Genetics Tuebingen Variant Classification Criteria Version 2. Collection method: clinical testing. Allele origin: germline. Affected: yes. Observed: 1 variant allele.
Comment: CDK19: BP4, BP7

NM_015076.5(CDK19):c.1041C>T (p.Ala347=)

Gene: CDK19 (cyclin dependent kinase 19; minus strand). Cytogenetic location: 6q21.
Variant type: single nucleotide variant.
Coding change: c.1041C>T on transcript NM_015076.5 (MANE Select); coding-DNA position 1041, C replaced by T.
Protein change: p.Ala347=; no amino-acid change (alanine 347 retained).
Molecular consequence: synonymous variant.
Genome position (GRCh38, 1-based): chr6:110,622,157, G>A on the plus strand (C>T on the coding strand, the complement: CDK19 is on the minus strand). VCF-style: chr6-110622157-G-A. GRCh37 (hg19) VCF-style: chr6-110943360-G-A.
Other names: c.909C>T, p.Ala303= (NM_001300960.2); c.861C>T, p.Ala287= (NM_001300963.2, NM_001300964.2).
Identifiers: ClinVar variation 2656846 (VCV002656846.24), dbSNP rs764689015, ClinGen allele CA3958918.
Genomic context (GRCh38, chr6:110,622,157, plus strand): 5'-TTTTTCTTCAGGATCATCTTCATTAAGGAATTCTCGTTTGGGGTATGGAATCTGGCAGCC[G>A]GCAAATACACTAAAAATCATTAAAAAGAAAAAACATATCATGATCTAAAATCTGTAATAT-3'
Protein context (NP_055891.1, residues 337-357): EDPLPTLDVF[Ala347=]GCQIPYPKRE